The following is an entry in ClinVar:

NM_014244.5(ADAMTS2):c.1599dup (p.Asp535fs)

Gene: ADAMTS2 (ADAM metallopeptidase with thrombospondin type 1 motif 2; minus strand). Cytogenetic location: 5q35.3.
Variant type: Duplication.
Coding change: c.1599dup on transcript NM_014244.5 (MANE Select); coding-DNA position 1599, one base duplicated (C; older notation c.1599dupC).
Protein change: p.Asp535fs; shifts the reading frame from aspartic acid 535.
Molecular consequence: frameshift variant.
Genome position (GRCh38, 1-based): chr5:179,152,172, G duplicated on the plus strand (C on the coding strand, the reverse complement: ADAMTS2 is on the minus strand); the first of 6 consecutive G bases (chr5:179,152,172-179,152,177); duplicating any one gives the same sequence. VCF-style (leftmost placement, unchanged base first): chr5-179152171-A-AG. GRCh37 (hg19) VCF-style: chr5-178579172-A-AG.
Other names: c.1599dup, p.Asp535fs (NM_021599.4); c.1599dup (NM_014244.4); short protein forms D535fs.
Identifiers: ClinVar variation 2843737 (VCV002843737.4), dbSNP rs2480234649, ClinGen allele CA2578504670.
Genomic context (GRCh38, chr5:179,152,171, plus strand): 5'-TGCCCTCCAAGAGCCCTTGATGCTGCCTCACCTTGCCAGGTGCACACATAGTCCCGTCCA[A>AG]GGGGGGCCCCTTCTTGGTCTTGCAAAAGTAGGGGTTGTCAGGATGGCTGCACCACAGCTG-3'

ClinVar aggregate classification (germline): Pathogenic/Likely pathogenic. Review status: criteria provided, multiple submitters, no conflicts (2 of 4 stars). 2 submissions from 2 submitters: Pathogenic (1); Likely pathogenic (1). Last evaluated 2024-12-23.

Conditions:
Ehlers-Danlos syndrome, dermatosparaxis type. Also called: Dermatosparaxis; EDS VIIC; Ehlers-Danlos syndrome, type VII, autosomal recessive. Identifiers: Orphanet 1901, MedGen C2700425, MONDO:0009161, OMIM 225410.

Submissions (2):

Natera, Inc.
Classification: Likely pathogenic for Ehlers-Danlos syndrome type VIIC. Last evaluated: 2024-12-23. Review status: criteria provided, single submitter. Criteria: Natera Variant Classification Schema (03/2026). Collection method: clinical testing. Allele origin: germline.
Comment: The c.1599dup variant in ADAMTS2 is a frameshift variant predicted to shift the reading frame beginning at codon 535 and leads to a stop codon 13 codons downstream. This variant is expected to result in nonsense mediated decay, truncation, or a dysfunctional protein product. This variant is rare in the general population with a frequency below the threshold expected for the associated phenotype(s). Given the available evidence, this variant is classified as Likely Pathogenic.

Labcorp Genetics (formerly Invitae), Labcorp
Classification: Pathogenic for Ehlers-Danlos syndrome, dermatosparaxis type. Last evaluated: 2023-03-08. Review status: criteria provided, single submitter. Criteria: Invitae Variant Classification Sherloc (09022015). Collection method: clinical testing. Allele origin: germline.
Comment: This sequence change creates a premature translational stop signal (p.Asp535Glyfs*13) in the ADAMTS2 gene. It is expected to result in an absent or disrupted protein product. Loss-of-function variants in ADAMTS2 are known to be pathogenic (PMID: 10417273). This variant is not present in population databases (gnomAD no frequency). This variant has not been reported in the literature in individuals affected with ADAMTS2-related conditions. For these reasons, this variant has been classified as Pathogenic.

Literature cited by the submitters: PubMed 10417273 (cited by Labcorp Genetics (formerly Invitae), Labcorp).